The following is an entry in ClinVar:

NM_205836.3(FBXO38):c.1567A>C (p.Asn523His)

Gene: FBXO38 (F-box protein 38; plus strand). Cytogenetic location: 5q32.
Variant type: single nucleotide variant.
Coding change: c.1567A>C on transcript NM_205836.3 (MANE Select); coding-DNA position 1567, A replaced by C.
Protein change: p.Asn523His; replaces asparagine 523 with histidine.
Molecular consequence: missense variant.
Genome position (GRCh38, 1-based): chr5:148,417,153, A>C. VCF-style: chr5-148417153-A-C. GRCh37 (hg19) VCF-style: chr5-147796716-A-C.
Other names: c.1567A>C (NM_205836.1); c.1567A>C, p.Asn523His (NM_001271723.2, NM_030793.5); short protein forms N523H.
Identifiers: ClinVar variation 1402537 (VCV001402537.9), dbSNP rs1468271814, ClinGen allele CA361660136.

ClinVar aggregate classification (germline): Uncertain significance. Review status: criteria provided, multiple submitters, no conflicts (2 of 4 stars). 2 submissions from 2 submitters: Uncertain significance (2). Last evaluated 2023-09-21.

Conditions:
Distal hereditary motor neuropathy type 2. Identifiers: Orphanet 139525, MedGen C3711384, MeSH C580044, MONDO:0015352.

Allele frequency attached by ClinVar (database versions not stated): gnomAD exomes below 0.00001 and 0.00001; gnomAD 0.00001; TOPMed 0.00001.
gnomAD v4.1: 4 of 1,613,790 alleles (0.00025%); highest among the groups gnomAD compares: African/African-American, 0.0013%; no homozygotes.

Submissions (2):

Ambry Genetics
Classification: Uncertain significance. Last evaluated: 2023-09-21. Review status: criteria provided, single submitter. Criteria: Ambry Variant Classification Scheme 2023. Collection method: clinical testing. Allele origin: germline.
Comment: Does not currently meet published gene-disease clinical validity criteria Based on insufficient or conflicting evidence, the clinical significance of this alteration remains unclear.

Labcorp Genetics (formerly Invitae), Labcorp
Classification: Uncertain significance for Distal hereditary motor neuropathy type 2. Last evaluated: 2021-01-12. Review status: criteria provided, single submitter. Criteria: Invitae Variant Classification Sherloc (09022015). Collection method: clinical testing. Allele origin: germline.
Comment: In summary, the available evidence is currently insufficient to determine the role of this variant in disease. Therefore, it has been classified as a Variant of Uncertain Significance. Algorithms developed to predict the effect of missense changes on protein structure and function are either unavailable or do not agree on the potential impact of this missense change (SIFT: "Deleterious"; PolyPhen-2: "Probably Damaging"; Align-GVGD: "Class C0"). This variant has not been reported in the literature in individuals with FBXO38-related conditions. This variant is not present in population databases (ExAC no frequency). This sequence change replaces asparagine with histidine at codon 523 of the FBXO38 protein (p.Asn523His). The asparagine residue is moderately conserved and there is a small physicochemical difference between asparagine and histidine.

Literature cited by the submitters: PubMed 28106320 (cited by Ambry Genetics).